The following is an entry in ClinVar:

ClinVar aggregate classification (germline): Uncertain significance (1 of 4 stars; one submission).

gnomAD v4.1: 1 of 1,614,126 alleles (0.000062%); highest among the groups gnomAD compares: Non-Finnish European, 0.000085%; no homozygotes.

Submission:

Labcorp Genetics (formerly Invitae), Labcorp
Classification: Uncertain significance. Last evaluated: 2025-12-24. Review status: criteria provided, single submitter. Criteria: Invitae Variant Classification Sherloc (09022015). Collection method: clinical testing. Allele origin: germline.
Comment: This sequence change replaces histidine, which is basic and polar, with tyrosine, which is neutral and polar, at codon 510 of the JAK1 protein (p.His510Tyr). This variant is not present in population databases (gnomAD no frequency). This variant has not been reported in the literature in individuals affected with JAK1-related conditions. Invitae Evidence Modeling of protein sequence and biophysical properties (such as structural, functional, and spatial information, amino acid conservation, physicochemical variation, residue mobility, and thermodynamic stability) indicates that this missense variant is not expected to disrupt JAK1 protein function with a negative predictive value of 80%. In summary, the available evidence is currently insufficient to determine the role of this variant in disease. Therefore, it has been classified as a Variant of Uncertain Significance.

NM_002227.4(JAK1):c.1528C>T (p.His510Tyr)

Gene: JAK1 (Janus kinase 1; minus strand). Cytogenetic location: 1p31.3.
Variant type: single nucleotide variant.
Coding change: c.1528C>T on transcript NM_002227.4 (MANE Select); coding-DNA position 1528, C replaced by T.
Protein change: p.His510Tyr; replaces histidine 510 with tyrosine.
Molecular consequence: missense variant.
Genome position (GRCh38, 1-based): chr1:64,855,629, G>A on the plus strand (C>T on the coding strand, the complement: JAK1 is on the minus strand). VCF-style: chr1-64855629-G-A. GRCh37 (hg19) VCF-style: chr1-65321312-G-A.
Other names: c.1528C>T, p.His510Tyr (NM_001320923.2, NM_001321852.2, NM_001321853.2 and 3 more transcripts); c.1525C>T, p.His509Tyr (NM_001321857.2); short protein forms H509Y, H510Y.
Identifiers: ClinVar variation 4778411 (VCV004778411.1).